The following is an entry in ClinVar:

ClinVar aggregate classification (germline): Likely benign. Review status: criteria provided, multiple submitters, no conflicts (2 of 4 stars). 2 submissions from 2 submitters: Likely benign (2). Last evaluated 2025-09-10.

Conditions:
Ehlers-Danlos syndrome, classic type, 1 (EDSCL1). Also called: EHLERS-DANLOS SYNDROME, GRAVIS TYPE; EHLERS-DANLOS SYNDROME, SEVERE CLASSIC TYPE; Ehlers-Danlos syndrome, type 1; EDS I; Ehlers-Danlos Syndrome, Classic Type, COL5A1-Related. Identifiers: MedGen C0268335, MONDO:0019567, OMIM 130000.

Allele frequency attached by ClinVar (database versions not stated): TOPMed below 0.00001; gnomAD exomes 0.00003; ExAC 0.00002.
gnomAD v4.1: 46 of 1,569,136 alleles (0.0029%); highest among the groups gnomAD compares: Non-Finnish European, 0.0039%; no homozygotes.

Submissions (2):

Labcorp Genetics (formerly Invitae), Labcorp
Classification: Likely benign for Ehlers-Danlos syndrome, classic type, 1. Last evaluated: 2025-09-10. Review status: criteria provided, single submitter. Criteria: Invitae Variant Classification Sherloc (09022015). Collection method: clinical testing. Allele origin: germline.

Mayo Clinic Laboratories, Mayo Clinic
Classification: Likely benign. Last evaluated: 2025-02-24. Review status: criteria provided, single submitter. Criteria: ACMG Guidelines, 2015. Collection method: clinical testing. Allele origin: germline. Observed: 1 variant allele.
Comment: BS1, BP4, BP7

NM_000393.5(COL5A2):c.457-6T>A

Gene: COL5A2 (collagen type V alpha 2 chain; minus strand). Cytogenetic location: 2q32.2.
Variant type: single nucleotide variant.
Coding change: c.457-6T>A on transcript NM_000393.5 (MANE Select); 6 bases into the intron before coding-DNA position 457, T replaced by A.
Molecular consequence: intron variant.
Genome position (GRCh38, 1-based): chr2:189,092,426, A>T on the plus strand (T>A on the coding strand, the complement: COL5A2 is on the minus strand). VCF-style: chr2-189092426-A-T. GRCh37 (hg19) VCF-style: chr2-189957152-A-T.
Other names: p.?.
Identifiers: ClinVar variation 1354363 (VCV001354363.9), dbSNP rs756707881, ClinGen allele CA2023048.